The following is an entry in ClinVar:

NM_001042702.5(PJVK):c.216T>C (p.Ile72=)

Gene: PJVK (pejvakin; plus strand). Cytogenetic location: 2q31.2.
Variant type: single nucleotide variant.
Coding change: c.216T>C on transcript NM_001042702.5 (MANE Select); coding-DNA position 216, T replaced by C.
Protein change: p.Ile72=; no amino-acid change (isoleucine 72 retained).
Molecular consequence: synonymous variant. On other transcripts: 5 prime UTR variant (2).
Genome position (GRCh38, 1-based): chr2:178,454,336, T>C. VCF-style: chr2-178454336-T-C. GRCh37 (hg19) VCF-style: chr2-179319063-T-C.
Other names: c.225T>C, p.Ile75= (NM_001353775.2); c.321T>C, p.Ile107= (NM_001353776.2); c.-262T>C (NM_001353777.1, NM_001353778.2); c.216T>C, p.Ile72= (NM_001369912.1).
Identifiers: ClinVar variation 894113 (VCV000894113.10), dbSNP rs200686247, ClinGen allele CA1984150.

ClinVar aggregate classification (germline): Conflicting classifications of pathogenicity. Review status: criteria provided, conflicting classifications (1 of 4 stars). 4 submissions from 4 submitters: Uncertain significance (1); Likely benign (2). 1 of the submissions does not count toward it. Last evaluated 2025-10-22.

Conditions:
Autosomal recessive nonsyndromic hearing loss 59. Identifiers: Orphanet 90636, MedGen C1857744, MONDO:0012445, OMIM 610220.
PJVK-related disorder. Also called: PJVK-related condition.

Allele frequency attached by ClinVar (database versions not stated): gnomAD 0.00003 and 0.00005; gnomAD exomes 0.00003 and 0.00008; ExAC 0.00005; TOPMed 0.00009.
gnomAD v4.1: 59 of 1,612,024 alleles (0.0037%); highest among the groups gnomAD compares: Admixed American, 0.03%; no homozygotes.

Submissions (4):

Labcorp Genetics (formerly Invitae), Labcorp
Classification: Likely benign. Last evaluated: 2025-10-22. Review status: criteria provided, single submitter. Criteria: Invitae Variant Classification Sherloc (09022015). Collection method: clinical testing. Allele origin: germline.

Blueprint Genetics
Classification: Likely benign. Last evaluated: 2024-09-12. Review status: criteria provided, single submitter. Criteria: ACMG Guidelines, 2015. Collection method: clinical testing. Allele origin: germline.

Illumina Laboratory Services, Illumina
Classification: Uncertain significance for Autosomal recessive nonsyndromic hearing loss 59. Last evaluated: 2018-01-12. Review status: criteria provided, single submitter. Criteria: ICSL Variant Classification Criteria 13 December 2019. Collection method: clinical testing. Allele origin: germline.

PreventionGenetics, part of Exact Sciences
Classification: Likely benign for PJVK-related condition. Last evaluated: 2020-01-10. Review status: no assertion criteria provided. Collection method: clinical testing. Allele origin: germline. Not counted in ClinVar's aggregate classification.
Comment: This variant is classified as likely benign based on ACMG/AMP sequence variant interpretation guidelines (Richards et al. 2015 PMID: 25741868, with internal and published modifications).